The following is an entry in ClinVar:

ClinVar aggregate classification (germline): Pathogenic (1 of 4 stars; one submission).

Conditions:
Short stature-optic atrophy-Pelger-Huët anomaly syndrome. Also called: Short stature-optic atrophy-Pelger-HuC+t anomaly syndrome; Short stature, optic nerve atrophy, and Pelger-Huet anomaly. Identifiers: Orphanet 391677, MedGen C3541319, MONDO:0013889, OMIM 614800.

Submission:

Undiagnosed Diseases Network, NIH
Classification: Pathogenic for Short stature-optic atrophy-Pelger-Huët anomaly syndrome. Last evaluated: 2026-06-05. Review status: criteria provided, single submitter. Criteria: ACMG Guidelines, 2015. Collection method: clinical testing, in vitro. Allele origin: maternal, not applicable. Inheritance: Autosomal recessive inheritance. Affected: yes. Observed: 1 variant allele, 1 compound heterozygote. Functional consequence: frameshift variant NMD triggering. Study: Undiagnosed Diseases Network, UDN.
Comment: The variant has not been observed in the gnomAD v2.1.1 dataset, ClinVar, or the literature. This premature termination variant is predicted to cause nonsense-mediated decay (NMD) in a gene where loss-of-function is a known mechanism of disease. RNA studies showed that the variant introduced a premature stop codon and resulted in low RNA expression (internal data).

NM_015909.4(NBAS):c.2701_2702del (p.Leu901fs)

Gene: NBAS (NBAS subunit of NRZ tethering complex; minus strand). Cytogenetic location: 2p24.3.
Variant type: Microsatellite.
Coding change: c.2701_2702del on transcript NM_015909.4 (MANE Select); coding-DNA positions 2701 to 2702, 2 bases deleted (CT; older notation c.2701_2702delCT).
Protein change: p.Leu901fs; shifts the reading frame from leucine 901.
Molecular consequence: frameshift variant. On other transcripts: non-coding transcript variant (1).
Genome position (GRCh38, 1-based): chr2:15,417,588-15,417,589, AG deleted on the plus strand (CT on the coding strand, the reverse complement: NBAS is on the minus strand); deleting any 2 consecutive bases within chr2:15,417,588-15,417,591 gives the same sequence; the c. name uses the placement nearest the transcript's 3' end. VCF-style (leftmost placement, unchanged base first): chr2-15417587-TAG-T. GRCh37 (hg19) VCF-style: chr2-15557711-TAG-T.
Other names: p.Leu901AsnfsTer12; short protein forms L901fs.
Identifiers: ClinVar variation 4974768 (VCV004974768.1).